The following is an entry in ClinVar:

ClinVar aggregate classification (germline): Conflicting classifications of pathogenicity. Review status: criteria provided, conflicting classifications (1 of 4 stars). 2 submissions from 2 submitters: Uncertain significance (1); Likely benign (1). Last evaluated 2024-08-13.

Conditions:
Early-infantile DEE. Also called: Early infantile epileptic encephalopathy with suppression bursts; Early infantile epileptic encephalopathy; Ohtahara syndrome. Identifiers: Orphanet 1934, MedGen C0393706, MONDO:0800491.

Allele frequency attached by ClinVar (database versions not stated): gnomAD exomes below 0.00001 and 0.00001; gnomAD 0.00001.
gnomAD v4.1: 5 of 1,605,246 alleles (0.00031%); highest among the groups gnomAD compares: Admixed American, 0.0017%; no homozygotes.

Submissions (2):

Labcorp Genetics (formerly Invitae), Labcorp
Classification: Uncertain significance for Early-infantile DEE. Last evaluated: 2024-08-13. Review status: criteria provided, single submitter. Criteria: Invitae Variant Classification Sherloc (09022015). Collection method: clinical testing. Allele origin: germline.
Comment: This sequence change replaces isoleucine, which is neutral and non-polar, with threonine, which is neutral and polar, at codon 480 of the SCN8A protein (p.Ile480Thr). The frequency data for this variant in the population databases is considered unreliable, as metrics indicate poor data quality at this position in the gnomAD database. This variant has not been reported in the literature in individuals affected with SCN8A-related conditions. ClinVar contains an entry for this variant (Variation ID: 934625). Advanced modeling of protein sequence and biophysical properties (such as structural, functional, and spatial information, amino acid conservation, physicochemical variation, residue mobility, and thermodynamic stability) performed at Invitae indicates that this missense variant is not expected to disrupt SCN8A protein function with a negative predictive value of 95%. In summary, the available evidence is currently insufficient to determine the role of this variant in disease. Therefore, it has been classified as a Variant of Uncertain Significance.

GeneDx
Classification: Likely benign. Last evaluated: 2020-09-15. Review status: criteria provided, single submitter. Criteria: GeneDx Variant Classification Process June 2021. Collection method: clinical testing. Allele origin: germline. Affected: yes.

NM_001330260.2(SCN8A):c.1439T>C (p.Ile480Thr)

Gene: SCN8A (sodium voltage-gated channel alpha subunit 8; plus strand). Cytogenetic location: 12q13.13.
Variant type: single nucleotide variant.
Coding change: c.1439T>C on transcript NM_001330260.2 (MANE Select); coding-DNA position 1439, T replaced by C.
Protein change: p.Ile480Thr; replaces isoleucine 480 with threonine.
Molecular consequence: missense variant.
Genome position (GRCh38, 1-based): chr12:51,706,519, T>C. VCF-style: chr12-51706519-T-C. GRCh37 (hg19) VCF-style: chr12-52100303-T-C.
Other names: c.1439T>C, p.Ile480Thr (NM_001177984.3, NM_001369788.1, NM_014191.4); short protein forms I480T.
Identifiers: ClinVar variation 934625 (VCV000934625.11), dbSNP rs1159903256, ClinGen allele CA385228800.